The following is an entry in ClinVar:

ClinVar aggregate classification (germline): Conflicting classifications of pathogenicity. Review status: criteria provided, conflicting classifications (1 of 4 stars). 27 submissions from 26 submitters: Uncertain significance (19); Likely benign (4). 4 of the submissions do not count toward it. Last evaluated 2026-02-11.

Conditions:
ATM-related disorder. Also called: ATM-related disorders; ATM-related condition.
Hereditary cancer-predisposing syndrome. Also called: Tumor predisposition; Hereditary neoplastic syndrome; Hereditary Cancer Syndrome; Neoplastic Syndromes, Hereditary. Identifiers: Orphanet 140162, MedGen C0027672, MeSH D009386, MONDO:0015356.
Familial cancer of breast. Also called: Hereditary breast cancer; hereditary breast carcinoma; BREAST CANCER, FAMILIAL. Identifiers: Orphanet 227535, MedGen C0346153, MONDO:0016419, OMIM 114480. Disease mechanism: loss of function.
Ataxia-telangiectasia syndrome (AT). Also called: ATAXIA-TELANGIECTASIA, COMPLEMENTATION GROUP A; ATAXIA-TELANGIECTASIA, FRESNO VARIANT; Ataxia-telangiectasia; Ataxia-telangiectasia, complementation group D; AT, COMPLEMENTATION GROUP C; Ataxia-telangiectasia, complementation group E. Identifiers: Orphanet 100, MedGen C0004135, MONDO:0008840, OMIM 208900.

Allele frequency attached by ClinVar (database versions not stated): ExAC 0.00006; gnomAD exomes 0.00008 and 0.00010; TOPMed 0.00008; gnomAD 0.00009; ESP Exome Variant Server 0.00015.
gnomAD v4.1: 163 of 1,613,070 alleles (0.01%); highest among the groups gnomAD compares: Non-Finnish European, 0.013%; no homozygotes.

Submissions 1 to 13 of 27:

St. Jude Molecular Pathology, St. Jude Children's Research Hospital
Classification: Uncertain significance for Ataxia-telangiectasia syndrome. Last evaluated: 2026-02-11. Review status: criteria provided, single submitter. Criteria: St. Jude Assertion Criteria 2020. Collection method: clinical testing. Allele origin: germline.
Comment: The ATM c.670A>G p.(Lys224Glu) missense change has a maximum subpopulation frequency of 0.02% in gnomAD v2.1.1. The in silico tool REVEL predicts a benign effect on protein function, but to our knowledge this prediction has not been confirmed by functional studies. This variant has been reported in an individual with ataxia telangiectasia (PMID: 10817650). In summary, the evidence currently available is insufficient to determine the clinical significance of this variant. It has therefore been classified as of uncertain significance.

Labcorp Genetics (formerly Invitae), Labcorp
Classification: Likely benign for Ataxia-telangiectasia syndrome. Last evaluated: 2026-01-19. Review status: criteria provided, single submitter. Criteria: Invitae Variant Classification Sherloc (09022015). Collection method: clinical testing. Allele origin: germline.

PreventionGenetics, part of Exact Sciences
Classification: Uncertain significance for ATM-related condition. Last evaluated: 2026-01-08. Review status: criteria provided, single submitter. Criteria: ACMG Guidelines, 2015. Collection method: clinical testing. Allele origin: germline.
Comment: The ATM c.670A>G variant is predicted to result in the amino acid substitution p.Lys224Glu. This variant has been reported in the compound heterozygous state with a pathogenic variant in a patient with ataxia telangiectasia (Li et al. 2000. PubMed ID: 10817650). It has been also reported in individuals with breast cancer including a patient with triple negative breast cancer and a family history of cervical and pancreatic cancer (Kraus et al. 2016. PubMed ID: 27616075, Suppl. Table 4; Bernstein et al. 2010. PubMed ID: 20305132, Suppl. Table 2; Lu et al. 2015. PubMed ID: 26689913, Suppl. Table 12). However, in another study, it has been found at similar frequencies in breast cancer cases and controls (Tavtigian et al. 2009. PubMed ID: 19781682, Suppl. Table 2). In addition, this variant has been reported in individuals with prostate cancer, melanoma, and leukemia (Table S3, Dalmasso et al. 2021. PubMed ID: 34262154; Karlsson et al. 2021. PubMed ID: 33436325; Table S2, Petrackova et al. 2022. PubMed ID: 36029002). This variant is reported in 0.016% of alleles in individuals of European (Non-Finnish) descent in gnomAD and has conflicting interpretations regarding its pathogenicity in ClinVar, ranging from likely benign to uncertain (Variation ID: 142522). At this time, the clinical significance of this variant is uncertain due to the absence of conclusive functional and genetic evidence.

Mayo Clinic Laboratories, Mayo Clinic
Classification: Uncertain significance. Last evaluated: 2025-11-04. Review status: criteria provided, single submitter. Criteria: ACMG Guidelines, 2015. Collection method: clinical testing. Allele origin: germline. Observed: 4 variant alleles.
Comment: BP4, PM2_supporting, PM3_supporting

Quest Diagnostics Nichols Institute San Juan Capistrano
Classification: Uncertain significance. Last evaluated: 2025-08-25. Review status: criteria provided, single submitter. Criteria: Quest Diagnostics criteria. Collection method: clinical testing. Allele origin: unknown.

Molecular Pathology, Peter Maccallum Cancer Centre
Classification: Uncertain significance for Ataxia-telangiectasia syndrome. Last evaluated: 2025-04-16. Review status: criteria provided, single submitter. Criteria: ACMG Guidelines, 2015. Collection method: clinical testing. Allele origin: germline. Inheritance: Autosomal recessive inheritance.

Myriad Genetics, Inc.
Classification: Likely benign for Familial cancer of breast. Last evaluated: 2025-03-27. Review status: criteria provided, single submitter. Criteria: Myriad Autosomal Dominant, Autosomal Recessive and X-Linked Classification Criteria (2023). Collection method: clinical testing. Allele origin: unknown.
Comment: This variant is considered likely benign. This variant is strongly associated with less severe personal and family histories of cancer, typical for individuals without pathogenic variants in this gene [PMID: 25085752].

Center for Genomic Medicine, Rigshospitalet, Copenhagen University Hospital
Classification: Uncertain significance. Last evaluated: 2025-03-04. Review status: criteria provided, single submitter. Criteria: ACMG Guidelines, 2015. Collection method: clinical testing. Allele origin: germline.

GeneDx
Classification: Uncertain significance. Last evaluated: 2024-11-08. Review status: criteria provided, single submitter. Criteria: GeneDx Variant Classification Process June 2021. Collection method: clinical testing. Allele origin: germline. Affected: yes.
Comment: Observed in the compound heterozygous state with an ATM truncating variant in a patient with ataxia-telangiectasia (PMID: 10817650); In silico analysis indicates that this missense variant does not alter protein structure/function; This variant is associated with the following publications: (PMID: 26689913, 24825865, 19781682, 23585524, 22114986, 28779002, 29659569, 29522266, 29449575, 26580448, 27616075, 29684080, 25186627, 20305132, 31422574, 31920950, 31567591, 33436325, 32095738, 33471991, 30303537, 34326862, 34262154, 36029002, 33850299, 35534704, 10817650, 38136308)

Ambry Genetics
Classification: Uncertain significance for Hereditary cancer-predisposing syndrome. Last evaluated: 2024-06-27. Review status: criteria provided, single submitter. Criteria: Ambry Variant Classification Scheme 2023. Collection method: clinical testing. Allele origin: germline.
Comment: The p.K224E variant (also known as c.670A>G), located in coding exon 6 of the ATM gene, results from an A to G substitution at nucleotide position 670. The lysine at codon 224 is replaced by glutamic acid, an amino acid with similar properties. This variant was reported in an individual with ataxia telangiectasia who also carried an ATM pathogenic mutation, however, detailed clinical information and the phase of the two detected alterations were not provided (Li A and Swift M. Am. J. Med. Genet. 2000 May;92:170-7). This alteration has been detected in 1/4112 breast cancer patients and 1/2399 healthy control individuals across numerous studies (Tavtigian S et al. Am. J. Hum. Genet. 2009 Oct;85:427-46). This alteration has also been identified in breast, pancreatic, prostate and melanoma cohorts, as well as in a pediatric leukemia case (Zhang J et al. N. Engl. J. Med. 2015 Dec;373(24):2336-2346; Decker B et al. J. Med. Genet. 2017 11;54(11):732-741; Kraus C et al. Int. J. Cancer. 2017 Jan;140:95-102; Bradbury et al. JCO Precis. Oncol. 2018 Apr;2; Hauke J et al. Cancer Med, 2018 04;7:1349-1358; Li C et al. Melanoma Res. 2020 Jun;30(3):247-251; Karlsson Q et al. Eur Urol Oncol, 2021 08;4:570-579). This amino acid position is well conserved in available vertebrate species. In addition, the in silico prediction for this alteration is inconclusive. Based on the available evidence, the clinical significance of this variant remains unclear.

Baylor Genetics
Classification: Uncertain significance for Familial cancer of breast. Last evaluated: 2024-03-27. Review status: criteria provided, single submitter. Criteria: ACMG Guidelines, 2015. Collection method: clinical testing. Allele origin: unknown.

Blueprint Genetics
Classification: Uncertain significance. Last evaluated: 2023-07-26. Review status: criteria provided, single submitter. Criteria: ACMG Guidelines, 2015. Collection method: clinical testing. Allele origin: germline.

Athena Diagnostics
Classification: Uncertain significance. Last evaluated: 2023-06-14. Review status: criteria provided, single submitter. Criteria: Athena Diagnostics Criteria. Collection method: clinical testing. Allele origin: unknown.
Comment: Available data are insufficient to determine the clinical significance of the variant at this time. The available data on the frequency of this variant in large general population databases was not informative towards the evaluation of its pathogenicity. This variant has been identified in at least one individual with clinical features of ataxia-telangiectasia. Computational tools disagree on the variant's effect on normal protein function.

NM_000051.4(ATM):c.670A>G (p.Lys224Glu)

Gene: ATM (ATM serine/threonine kinase; plus strand). Cytogenetic location: 11q22.3.
Variant type: single nucleotide variant.
Coding change: c.670A>G on transcript NM_000051.4 (MANE Select); coding-DNA position 670, A replaced by G.
Protein change: p.Lys224Glu; replaces lysine 224 with glutamic acid.
Molecular consequence: missense variant.
Genome position (GRCh38, 1-based): chr11:108,244,795, A>G. VCF-style: chr11-108244795-A-G. GRCh37 (hg19) VCF-style: chr11-108115522-A-G.
Other names: p.K224E:AAG>GAG; NM_000051.3(ATM):c.670A>G(p.Lys224Glu); c.670A>G, p.Lys224Glu (NM_001351834.2); short protein forms K224E.
Identifiers: ClinVar variation 142522 (VCV000142522.100), dbSNP rs145053092, ClinGen allele CA294425.